The following is an entry in ClinVar:

ClinVar aggregate classification (germline): Uncertain significance (1 of 4 stars; one submission).

Conditions:
Autosomal recessive inherited pseudoxanthoma elasticum (PXE). Identifiers: Orphanet 758, MedGen CN032334, MONDO:0009925, OMIM 264800.

Submission:

Kasturba Medical College, Manipal, Kasturba Medical College, Manipal, Manipal Academy of Higher Education, Manipal, India
Classification: Uncertain significance for Autosomal recessive inherited pseudoxanthoma elasticum. Review status: criteria provided, single submitter. Criteria: ACMG Guidelines, 2015. Collection method: research. Allele origin: germline. Inheritance: Autosomal recessive inheritance. Affected: yes. Observed: 1 heterozygote.
Comment: It is absent in homozygous and/or heterozygous state in the gnomAD (v4.1.0) population database and in our in-house data of 3479 exomes. In silico analysis tools (REVEL, CADD_phred, MutationTaster) are consistent in predicting the variant as damaging to ABCC6 protein function.

NM_001171.6(ABCC6):c.2341G>A (p.Ala781Thr)

Gene: ABCC6 (ATP binding cassette subfamily C member 6; minus strand). Cytogenetic location: 16p13.11.
Variant type: single nucleotide variant.
Coding change: c.2341G>A on transcript NM_001171.6 (MANE Select); coding-DNA position 2341, G replaced by A.
Protein change: p.Ala781Thr; replaces alanine 781 with threonine.
Molecular consequence: missense variant. On other transcripts: non-coding transcript variant (1).
Genome position (GRCh38, 1-based): chr16:16,178,872, C>T on the plus strand (G>A on the coding strand, the complement: ABCC6 is on the minus strand). VCF-style: chr16-16178872-C-T. GRCh37 (hg19) VCF-style: chr16-16272729-C-T.
Other names: c.1999G>A, p.Ala667Thr (NM_001351800.1); short protein forms A667T, A781T.
Identifiers: ClinVar variation 3767151 (VCV003767151.2).